The following is an entry in ClinVar:

NM_016219.5(MAN1B1):c.1800C>T (p.Thr600=)

Gene: MAN1B1 (mannosidase alpha class 1B member 1; plus strand). Cytogenetic location: 9q34.3.
Variant type: single nucleotide variant.
Coding change: c.1800C>T on transcript NM_016219.5 (MANE Select); coding-DNA position 1800, C replaced by T.
Protein change: p.Thr600=; no amino-acid change (threonine 600 retained).
Molecular consequence: synonymous variant. On other transcripts: non-coding transcript variant (2).
Genome position (GRCh38, 1-based): chr9:137,107,566, C>T. VCF-style: chr9-137107566-C-T. GRCh37 (hg19) VCF-style: chr9-140002018-C-T.
Identifiers: ClinVar variation 211422 (VCV000211422.54), dbSNP rs146417316, ClinGen allele CA206985.
Genomic context (GRCh38, chr9:137,107,566, plus strand): 5'-GCCCTGAGCTCTGCTCCGCCCACAGCCAGCAGACAGGCACAACCTGCTGCGGCCAGAGAC[C>T]GTGGAGAGCCTGTTCTACCTGTACCGCGTCACAGGGGACCGCAAATACCAGGACTGGGGC-3'
Protein context (NP_057303.2, residues 590-610): ADRHNLLRPE[Thr600=]VESLFYLYRV

ClinVar aggregate classification (germline): Conflicting classifications of pathogenicity. Review status: criteria provided, conflicting classifications (1 of 4 stars). 8 submissions from 8 submitters: Uncertain significance (2); Benign (3); Likely benign (3). Last evaluated 2026-08-01.

Conditions:
MAN1B1-related disorder. Also called: MAN1B1-related condition; MAN1B1-related disorders.
Inborn genetic diseases. Identifiers: MedGen C0950123, MeSH D030342.
Rafiq syndrome (RAFQS). Identifiers: Orphanet 88616, MedGen C3280127, MONDO:0013624, OMIM 614202.

Allele frequency attached by ClinVar (database versions not stated): 1000 Genomes Project 0.00080; ESP Exome Variant Server 0.00100; 1000 Genomes Project 30x 0.00109; ExAC 0.00120; gnomAD 0.00125; TOPMed 0.00142.
gnomAD v4.1: 1,541 of 1,612,710 alleles (0.096%); highest among the groups gnomAD compares: Middle Eastern, 0.61%; 6 homozygotes.

Submissions (8):

CeGaT Center for Human Genetics Tuebingen
Classification: Likely benign. Last evaluated: 2026-08-01. Review status: criteria provided, single submitter. Criteria: CeGaT Center For Human Genetics Tuebingen Variant Classification Criteria Version 2. Collection method: clinical testing. Allele origin: germline. Affected: yes. Observed: 5 variant alleles.
Comment: MAN1B1: BP4, BP7

Labcorp Genetics (formerly Invitae), Labcorp
Classification: Benign for Rafiq syndrome. Last evaluated: 2026-01-26. Review status: criteria provided, single submitter. Criteria: Invitae Variant Classification Sherloc (09022015). Collection method: clinical testing. Allele origin: germline.

PreventionGenetics, part of Exact Sciences
Classification: Benign for MAN1B1-related condition. Last evaluated: 2025-07-09. Review status: criteria provided, single submitter. Criteria: ACMG Guidelines, 2015. Collection method: clinical testing. Allele origin: germline.
Comment: This variant is classified as benign based on ACMG/AMP sequence variant interpretation guidelines (Richards et al. 2015 PMID: 25741868, with internal and published modifications).

Blueprint Genetics
Classification: Likely benign. Last evaluated: 2024-11-26. Review status: criteria provided, single submitter. Criteria: ACMG Guidelines, 2015. Collection method: clinical testing. Allele origin: germline.

Genetic Services Laboratory, University of Chicago
Classification: Benign. Last evaluated: 2019-03-13. Review status: criteria provided, single submitter. Criteria: ACMG Guidelines, 2015. Collection method: clinical testing. Allele origin: germline. Affected: no.

Illumina Laboratory Services, Illumina
Classification: Uncertain significance for Rafiq syndrome. Last evaluated: 2018-01-12. Review status: criteria provided, single submitter. Criteria: ICSL Variant Classification Criteria 13 December 2019. Collection method: clinical testing. Allele origin: germline.

Ambry Genetics
Classification: Likely benign for Inborn genetic diseases. Last evaluated: 2017-01-23. Review status: criteria provided, single submitter. Criteria: Ambry Variant Classification Scheme 2023. Collection method: clinical testing. Allele origin: germline.

Eurofins Ntd Llc (ga)
Classification: Uncertain significance. Last evaluated: 2016-04-19. Review status: criteria provided, single submitter. Criteria: EGL Classification Definitions 2015. Collection method: clinical testing. Allele origin: germline. Observed: 1 variant allele, 1 heterozygote.